The following is an entry in ClinVar:

ClinVar aggregate classification (germline): Uncertain significance. Review status: criteria provided, multiple submitters, no conflicts (2 of 4 stars). 2 submissions from 2 submitters: Uncertain significance (2). Last evaluated 2025-04-02.

Conditions:
Inborn genetic diseases. Identifiers: MedGen C0950123, MeSH D030342.

Allele frequency attached by ClinVar (database versions not stated): gnomAD 0.00002; TOPMed 0.00003.
gnomAD v4.1: 3 of 1,613,554 alleles (0.00019%); highest among the groups gnomAD compares: Admixed American, 0.0033%; no homozygotes.

Submissions (2):

Ambry Genetics
Classification: Uncertain significance for Inborn genetic diseases. Last evaluated: 2025-04-02. Review status: criteria provided, single submitter. Criteria: Ambry Variant Classification Scheme 2023. Collection method: clinical testing. Allele origin: germline.

Labcorp Genetics (formerly Invitae), Labcorp
Classification: Uncertain significance. Last evaluated: 2023-06-30. Review status: criteria provided, single submitter. Criteria: Invitae Variant Classification Sherloc (09022015). Collection method: clinical testing. Allele origin: germline.
Comment: This variant is not present in population databases (gnomAD no frequency). In summary, the available evidence is currently insufficient to determine the role of this variant in disease. Therefore, it has been classified as a Variant of Uncertain Significance. Advanced modeling of protein sequence and biophysical properties (such as structural, functional, and spatial information, amino acid conservation, physicochemical variation, residue mobility, and thermodynamic stability) performed at Invitae indicates that this missense variant is not expected to disrupt RTN4IP1 protein function. ClinVar contains an entry for this variant (Variation ID: 2200525). This variant has not been reported in the literature in individuals affected with RTN4IP1-related conditions. This sequence change replaces methionine, which is neutral and non-polar, with isoleucine, which is neutral and non-polar, at codon 344 of the RTN4IP1 protein (p.Met344Ile).

NM_032730.5(RTN4IP1):c.1032G>A (p.Met344Ile)

Gene: RTN4IP1 (reticulon 4 interacting protein 1; minus strand). Cytogenetic location: 6q21.
Variant type: single nucleotide variant.
Coding change: c.1032G>A on transcript NM_032730.5 (MANE Select); coding-DNA position 1032, G replaced by A.
Protein change: p.Met344Ile; replaces methionine 344 with isoleucine.
Molecular consequence: missense variant.
Genome position (GRCh38, 1-based): chr6:106,583,379, C>T on the plus strand (G>A on the coding strand, the complement: RTN4IP1 is on the minus strand). VCF-style: chr6-106583379-C-T. GRCh37 (hg19) VCF-style: chr6-107031254-C-T.
Other names: c.732G>A, p.Met244Ile (NM_001318746.1); c.1032G>A (NM_032730.4); short protein forms M244I, M344I.
Identifiers: ClinVar variation 2200525 (VCV002200525.5), dbSNP rs1775414272, ClinGen allele CA365150466.